The following is an entry in ClinVar:

ClinVar aggregate classification (germline): Conflicting classifications of pathogenicity. Review status: criteria provided, conflicting classifications (1 of 4 stars). 2 submissions from 2 submitters: Likely pathogenic (1); Uncertain significance (1). Last evaluated 2023-11-18.

Conditions:
X-linked agammaglobulinemia (XLA). Also called: Agammaglobulinemia, Bruton tyrosine kinase; Agammaglobulinemia, BTK; BTK-deficiency; IMMUNODEFICIENCY 1; Bruton's agammaglobulinemia; AGAMMAGLOBULINEMIA, X-LINKED, TYPE 1. Identifiers: Orphanet 229717, Orphanet 47, MedGen C0221026, MONDO:0010421, OMIM 300755.
X-linked agammaglobulinemia with growth hormone deficiency (IGHD3). Also called: AGAMMAGLOBULINEMIA AND ISOLATED GROWTH HORMONE DEFICIENCY, X-LINKED; FLEISHER SYNDROME; HYPOGAMMAGLOBULINEMIA AND ISOLATED GROWTH HORMONE DEFICIENCY, X-LINKED; IGHD III; Isolated growth hormone deficiency type 3; Growth hormone deficiency with hypogammaglobulinemia. Identifiers: Orphanet 231692, Orphanet 631, MedGen C0472813, MONDO:0010615, OMIM 307200.

Submissions (2):

Labcorp Genetics (formerly Invitae), Labcorp
Classification: Uncertain significance for X-linked agammaglobulinemia with growth hormone deficiency. Last evaluated: 2023-11-18. Review status: criteria provided, single submitter. Criteria: Invitae Variant Classification Sherloc (09022015). Collection method: clinical testing. Allele origin: germline.
Comment: This sequence change replaces methionine, which is neutral and non-polar, with isoleucine, which is neutral and non-polar, at codon 587 of the BTK protein (p.Met587Ile). This variant is not present in population databases (gnomAD no frequency). This variant has not been reported in the literature in individuals affected with BTK-related conditions. Advanced modeling of protein sequence and biophysical properties (such as structural, functional, and spatial information, amino acid conservation, physicochemical variation, residue mobility, and thermodynamic stability) has been performed at Invitae for this missense variant, however the output from this modeling did not meet the statistical confidence thresholds required to predict the impact of this variant on BTK protein function. In summary, the available evidence is currently insufficient to determine the role of this variant in disease. Therefore, it has been classified as a Variant of Uncertain Significance.

New York Genome Center
Classification: Likely pathogenic for X-linked agammaglobulinemia. Last evaluated: 2023-04-10. Review status: criteria provided, single submitter. Criteria: NYGC Assertion Criteria 2020. Collection method: clinical testing. Allele origin: inherited. Observed: 1 variant allele, 1 hemizygote.
Comment: The c.1761G>A variant in BTK has not previously been reported in the literature or public variant repositories (ClinVar and LOVD) and is absent from population databases (gnomAD v2.1.1 and v3.1.2, TOPMed Freeze 8), suggesting it is not a common benign variant in the populations represented in those databases.The c.1761G>A variant in BTK is located in exon 18 of this 19-exon gene, and is predicted to replace an evolutionarily conserved methionine amino acid with isoleucine at position 587 (p.(Met587Ile) in the CAV1-binding motif (aa 581-588) within the kinase domain (aa 402-655) of the encoded protein. In silico predictions are supporting a damaging effect for the p.(Met587Ile) [CADD v1.6 = 23.6, REVEL = 0.761]; however, there are no functional studies to support or refute these predictions. Variants affecting the same aminoacid residue (c.1759A>C:p.(Met587Leu) and c.1760T>C:p.(Met587Thr)) have been reported in two affected individuals in the literature [PMID:7633420, 11809909]. Additionally, missense variants affecting other aminoacid residues within CAV1-binding motif have been reported in affected individuals in the literature [PMID: 32596782]. Based on available evidence this maternally inherited hemizygous c.1761G>A p.(Met587Ile) variant identified in BTK is classified as Likely Pathogenic.

NM_000061.3(BTK):c.1761G>A (p.Met587Ile)

Gene: BTK (Bruton tyrosine kinase; minus strand). Cytogenetic location: Xq22.1.
Variant type: single nucleotide variant.
Coding change: c.1761G>A on transcript NM_000061.3 (MANE Select); coding-DNA position 1761, G replaced by A.
Protein change: p.Met587Ile; replaces methionine 587 with isoleucine.
Molecular consequence: missense variant.
Genome position (GRCh38, 1-based): chrX:101,353,341, C>T on the plus strand (G>A on the coding strand, the complement: BTK is on the minus strand). VCF-style: chrX-101353341-C-T. GRCh37 (hg19) VCF-style: chrX-100608329-C-T.
Other names: c.1863G>A, p.Met621Ile (NM_001287344.2); c.1233G>A, p.Met411Ile (NM_001287345.2); short protein forms M587I, M621I, M411I.
Identifiers: ClinVar variation 2793425 (VCV002793425.4), dbSNP rs1926359400, ClinGen allele CA413919564.